The following is an entry in ClinVar:

NM_001386298.1(CIC):c.6790T>G (p.Phe2264Val)

Gene: CIC (capicua transcriptional repressor; plus strand). Cytogenetic location: 19q13.2.
Variant type: single nucleotide variant.
Coding change: c.6790T>G on transcript NM_001386298.1 (MANE Select); coding-DNA position 6790, T replaced by G.
Protein change: p.Phe2264Val; replaces phenylalanine 2264 with valine.
Molecular consequence: missense variant.
Genome position (GRCh38, 1-based): chr19:42,293,957, T>G. VCF-style: chr19-42293957-T-G. GRCh37 (hg19) VCF-style: chr19-42798109-T-G.
Other names: c.6790T>G, p.Phe2264Val (NM_001304815.2); c.6787T>G, p.Phe2263Val (NM_001379480.1, NM_001379482.1); c.4063T>G, p.Phe1355Val (NM_001379484.1, NM_015125.5); c.4060T>G, p.Phe1354Val (NM_001379485.1); short protein forms F1354V, F1355V, F2263V, F2264V.
Identifiers: ClinVar variation 3767441 (VCV003767441.1).

ClinVar aggregate classification (germline): Uncertain significance (1 of 4 stars; one submission).

Submission:

GeneDx
Classification: Uncertain significance. Last evaluated: 2024-09-05. Review status: criteria provided, single submitter. Criteria: GeneDx Variant Classification Process June 2021. Collection method: clinical testing. Allele origin: germline. Affected: yes.
Comment: Not observed at significant frequency in large population cohorts (gnomAD); In silico analysis supports that this missense variant has a deleterious effect on protein structure/function; Has not been previously published as pathogenic or benign to our knowledge